The following is an entry in ClinVar:

ClinVar aggregate classification (germline): Benign (1 of 4 stars; one submission).

Allele frequency attached by ClinVar (database versions not stated): gnomAD 0.05486 and 0.05312; TOPMed 0.05510; 1000 Genomes Project 30x 0.04325; 1000 Genomes Project 0.04393.
gnomAD v4.1: 8,380 of 152,112 alleles (5.5%); highest among the groups gnomAD compares: Middle Eastern, 13%; 325 homozygotes.

Submission:

GeneDx
Classification: Benign. Last evaluated: 2018-06-14. Review status: criteria provided, single submitter. Criteria: GeneDx Variant Classification (06012015). Collection method: clinical testing. Allele origin: germline. Affected: yes.
Comment: This variant is considered likely benign or benign based on one or more of the following criteria: it is a conservative change, it occurs at a poorly conserved position in the protein, it is predicted to be benign by multiple in silico algorithms, and/or has population frequency not consistent with disease.

NM_006393.3(NEBL):c.1963-261A>G

Gene: NEBL (nebulette; minus strand). Cytogenetic location: 10p12.31.
Variant type: single nucleotide variant.
Coding change: c.1963-261A>G on transcript NM_006393.3 (MANE Select); 261 bases into the intron before coding-DNA position 1963, A replaced by G.
Molecular consequence: intron variant.
Genome position (GRCh38, 1-based): chr10:20,819,777, T>C on the plus strand (A>G on the coding strand, the complement: NEBL is on the minus strand). VCF-style: chr10-20819777-T-C. GRCh37 (hg19) VCF-style: chr10-21108706-T-C.
Other names: c.250-6837A>G (NM_001377326.1, NM_001377327.1, NM_001377328.1); c.358-6837A>G (NM_213569.2, NM_001173484.2, NM_001377322.1); c.301-6837A>G (NM_001377324.1); c.292-6837A>G (NM_001377325.1); c.310-6837A>G (NM_001377323.1).
Identifiers: ClinVar variation 671324 (VCV000671324.1), dbSNP rs71578949, ClinGen allele CA16382741.